The following is an entry in ClinVar:

NM_000492.4(CFTR):c.2988+47dup

Genes: CFTR (CF transmembrane conductance regulator; plus strand), CFTR-AS2 (CFTR antisense RNA 2; minus strand). Cytogenetic location: 7q31.2.
Variant type: Duplication.
Coding change: c.2988+47dup on transcript NM_000492.4 (MANE Select); 47 bases into the intron after coding-DNA position 2988, one base duplicated (A; older notation c.2988+47dupA).
Molecular consequence: intron variant.
Genome position (GRCh38, 1-based): chr7:117,606,800, A duplicated; the last of 7 consecutive A bases (chr7:117,606,794-117,606,800); duplicating any one gives the same sequence. VCF-style (leftmost placement, unchanged base first): chr7-117606793-T-TA. GRCh37 (hg19) VCF-style: chr7-117246847-T-TA.
Other names: c.2988+47dupA (NM_000492.3).
Identifiers: ClinVar variation 633159 (VCV000633159.1), dbSNP rs149902649, ClinGen allele CA4451348.

ClinVar aggregate classification (germline): Uncertain significance (1 of 4 stars; one submission).

Submission:

Women's Health and Genetics/Laboratory Corporation of America, LabCorp
Classification: Uncertain significance. Last evaluated: 2018-02-20. Review status: criteria provided, single submitter. Criteria: LabCorp Variant Classification Summary - May 2015. Collection method: clinical testing. Allele origin: germline.
Comment: Variant summary: CFTR c.2988+47dupA is located at a position not widely known to affect splicing. 4/5 in silico tools predict no significant change on splicing. However, these predictions have not been confirmed with functional assays. The variant allele was found at a frequency of 2.9e-05 in 273158 control chromosomes. This frequency is not significantly higher than expected for a pathogenic variant in CFTR causing Chronic Pancreatitis Risk (2.9e-05 vs 0.0063), allowing no conclusion about variant significance. To our knowledge, no occurrence of c.2988+47dupA in individuals affected with Chronic Pancreatitis and no experimental evidence demonstrating its impact on protein function have been reported. No clinical diagnostic laboratories have submitted clinical-significance assessments for this variant to ClinVar after 2014. Based on the evidence outlined above, the variant was classified as uncertain significance.